The following is an entry in ClinVar:

NM_000400.4(ERCC2):c.1447A>G (p.Met483Val)

Gene: ERCC2 (ERCC excision repair 2, TFIIH core complex helicase subunit; minus strand). Cytogenetic location: 19q13.32.
Variant type: single nucleotide variant.
Coding change: c.1447A>G on transcript NM_000400.4 (MANE Select); coding-DNA position 1447, A replaced by G.
Protein change: p.Met483Val; replaces methionine 483 with valine.
Molecular consequence: missense variant.
Genome position (GRCh38, 1-based): chr19:45,357,302, T>C on the plus strand (A>G on the coding strand, the complement: ERCC2 is on the minus strand). VCF-style: chr19-45357302-T-C. GRCh37 (hg19) VCF-style: chr19-45860560-T-C.
Other names: short protein forms M483V.
Identifiers: ClinVar variation 1772811 (VCV001772811.2), dbSNP rs1972044762, ClinGen allele CA406367033.

ClinVar aggregate classification (germline): Uncertain significance (1 of 4 stars; one submission).

Conditions:
Inborn genetic diseases. Identifiers: MedGen C0950123, MeSH D030342.

Allele frequency attached by ClinVar (database versions not stated): gnomAD exomes below 0.00001; TOPMed below 0.00001; gnomAD 0.00001.

Submission:

Ambry Genetics
Classification: Uncertain significance for Inborn genetic diseases. Last evaluated: 2021-11-09. Review status: criteria provided, single submitter. Criteria: Ambry Variant Classification Scheme 2023. Collection method: clinical testing. Allele origin: germline.
Comment: The p.M483V variant (also known as c.1447A>G), located in coding exon 15 of the ERCC2 gene, results from an A to G substitution at nucleotide position 1447. The methionine at codon 483 is replaced by valine, an amino acid with highly similar properties. This amino acid position is conserved. In addition, the in silico prediction for this alteration is inconclusive. Since supporting evidence is limited at this time, the clinical significance of this alteration remains unclear.